The following is an entry in ClinVar:

ClinVar aggregate classification (germline): Uncertain significance (1 of 4 stars; one submission).

gnomAD v4.1: 7 of 1,613,540 alleles (0.00043%); highest among the groups gnomAD compares: Non-Finnish European, 0.00042%; no homozygotes.

Submission:

Labcorp Genetics (formerly Invitae), Labcorp
Classification: Uncertain significance. Last evaluated: 2022-02-05. Review status: criteria provided, single submitter. Criteria: Invitae Variant Classification Sherloc (09022015). Collection method: clinical testing. Allele origin: germline.
Comment: Algorithms developed to predict the effect of missense changes on protein structure and function are either unavailable or do not agree on the potential impact of this missense change (SIFT: "Deleterious"; PolyPhen-2: "Probably Damaging"; Align-GVGD: "Class C0"). Algorithms developed to predict the effect of sequence changes on RNA splicing suggest that this variant may create or strengthen a splice site. In summary, the available evidence is currently insufficient to determine the role of this variant in disease. Therefore, it has been classified as a Variant of Uncertain Significance. This sequence change replaces arginine, which is basic and polar, with tryptophan, which is neutral and slightly polar, at codon 642 of the ERCC3 protein (p.Arg642Trp). This variant is not present in population databases (gnomAD no frequency). This variant has not been reported in the literature in individuals affected with ERCC3-related conditions.

NM_000122.2(ERCC3):c.1924C>T (p.Arg642Trp)

Gene: ERCC3 (ERCC excision repair 3, TFIIH core complex helicase subunit; minus strand). Cytogenetic location: 2q14.3.
Variant type: single nucleotide variant.
Coding change: c.1924C>T on transcript NM_000122.2 (MANE Select); coding-DNA position 1924, C replaced by T.
Protein change: p.Arg642Trp; replaces arginine 642 with tryptophan.
Molecular consequence: missense variant.
Genome position (GRCh38, 1-based): chr2:127,271,357, G>A on the plus strand (C>T on the coding strand, the complement: ERCC3 is on the minus strand). VCF-style: chr2-127271357-G-A. GRCh37 (hg19) VCF-style: chr2-128028933-G-A.
Other names: c.1732C>T, p.Arg578Trp (NM_001303416.2, NM_001303418.2); short protein forms R642W, R578W.
Identifiers: ClinVar variation 1442765 (VCV001442765.8), dbSNP rs759338358, ClinGen allele CA55324300.